The following is an entry in ClinVar:

ClinVar aggregate classification (germline): Uncertain significance (1 of 4 stars; one submission).

Conditions:
Pigmentary pallidal degeneration (NBIA1). Also called: Pantothenate Kinase-Associated Neurodegeneration; Neuroaxonal dystrophy, late infantile; Hallervorden-Spatz disease; PKAN NEUROAXONAL DYSTROPHY, JUVENILE-ONSET; HARP SYNDROME; Neurodegeneration with brain iron accumulation 1. Identifiers: Orphanet 157850, MedGen C0018523, MONDO:0009319, OMIM 234200.

Allele frequency attached by ClinVar (database versions not stated): gnomAD exomes below 0.00001; ExAC 0.00001; gnomAD 0.00001; 1000 Genomes Project 30x 0.00016; 1000 Genomes Project 0.00020.
gnomAD v4.1: 1 of 1,614,248 alleles (0.000062%); highest among the groups gnomAD compares: Non-Finnish European, 0.000085%; no homozygotes.

Submission:

Labcorp Genetics (formerly Invitae), Labcorp
Classification: Uncertain significance for Pigmentary pallidal degeneration. Last evaluated: 2021-08-02. Review status: criteria provided, single submitter. Criteria: Invitae Variant Classification Sherloc (09022015). Collection method: clinical testing. Allele origin: germline.
Comment: In summary, the available evidence is currently insufficient to determine the role of this variant in disease. Therefore, it has been classified as a Variant of Uncertain Significance. Algorithms developed to predict the effect of missense changes on protein structure and function are either unavailable or do not agree on the potential impact of this missense change (SIFT: "Deleterious"; PolyPhen-2: "Probably Damaging"; Align-GVGD: "Class C0"). This missense change has been observed in individual(s) with neurodegeneration with brain iron accumulation (PMID: 16437574). This variant is present in population databases (rs138402319, ExAC 0.001%). This sequence change replaces phenylalanine with leucine at codon 550 of the PANK2 protein (p.Phe550Leu). The phenylalanine residue is highly conserved and there is a small physicochemical difference between phenylalanine and leucine.

Literature cited by the submitters: PubMed 16437574.

NM_001386393.1(PANK2):c.1318T>C (p.Phe440Leu)

Gene: PANK2 (pantothenate kinase 2; plus strand). Cytogenetic location: 20p13.
Variant type: single nucleotide variant.
Coding change: c.1318T>C on transcript NM_001386393.1 (MANE Select); coding-DNA position 1318, T replaced by C.
Protein change: p.Phe440Leu; replaces phenylalanine 440 with leucine.
Molecular consequence: missense variant. On other transcripts: non-coding transcript variant (1).
Genome position (GRCh38, 1-based): chr20:3,918,782, T>C. VCF-style: chr20-3918782-T-C. GRCh37 (hg19) VCF-style: chr20-3899429-T-C.
Other names: c.775T>C, p.Phe259Leu (NM_001324191.2, NM_024960.6, NM_153640.4); c.340T>C, p.Phe114Leu (NM_001324193.2); c.1648T>C, p.Phe550Leu (NM_153638.4); short protein forms F259L, F114L, F440L, F550L.
Identifiers: ClinVar variation 1491611 (VCV001491611.6), dbSNP rs138402319, ClinGen allele CA9750938.